The following is an entry in ClinVar:

NM_025265.4(TSEN2):c.161C>T (p.Ala54Val)

Gene: TSEN2 (tRNA splicing endonuclease subunit 2; plus strand). Cytogenetic location: 3p25.2.
Variant type: single nucleotide variant.
Coding change: c.161C>T on transcript NM_025265.4 (MANE Select); coding-DNA position 161, C replaced by T.
Protein change: p.Ala54Val; replaces alanine 54 with valine.
Molecular consequence: missense variant. On other transcripts: non-coding transcript variant (1).
Genome position (GRCh38, 1-based): chr3:12,489,961, C>T. VCF-style: chr3-12489961-C-T. GRCh37 (hg19) VCF-style: chr3-12531460-C-T.
Other names: c.161C>T, p.Ala54Val (NM_001145392.2, NM_001145393.3, NM_001145394.2 and 3 more transcripts); c.161C>T (NM_025265.3); short protein forms A54V.
Identifiers: ClinVar variation 1482809 (VCV001482809.9), dbSNP rs763202098, ClinGen allele CA2258416.

ClinVar aggregate classification (germline): Uncertain significance. Review status: criteria provided, multiple submitters, no conflicts (2 of 4 stars). 2 submissions from 2 submitters: Uncertain significance (2). Last evaluated 2024-05-10.

Conditions:
Inborn genetic diseases. Identifiers: MedGen C0950123, MeSH D030342.

Allele frequency attached by ClinVar (database versions not stated): gnomAD exomes 0.00001 and 0.00003; TOPMed 0.00001; ExAC 0.00003.
gnomAD v4.1: 18 of 1,613,978 alleles (0.0011%); highest among the groups gnomAD compares: South Asian, 0.012%; no homozygotes.

Submissions (2):

Ambry Genetics
Classification: Uncertain significance for Inborn genetic diseases. Last evaluated: 2024-05-10. Review status: criteria provided, single submitter. Criteria: Ambry Variant Classification Scheme 2023. Collection method: clinical testing. Allele origin: germline.

Labcorp Genetics (formerly Invitae), Labcorp
Classification: Uncertain significance. Last evaluated: 2022-07-19. Review status: criteria provided, single submitter. Criteria: Invitae Variant Classification Sherloc (09022015). Collection method: clinical testing. Allele origin: germline.
Comment: In summary, the available evidence is currently insufficient to determine the role of this variant in disease. Therefore, it has been classified as a Variant of Uncertain Significance. Algorithms developed to predict the effect of missense changes on protein structure and function output the following: SIFT: "Tolerated"; PolyPhen-2: "Benign"; Align-GVGD: "Class C0". The valine amino acid residue is found in multiple mammalian species, which suggests that this missense change does not adversely affect protein function. ClinVar contains an entry for this variant (Variation ID: 1482809). This variant has not been reported in the literature in individuals affected with TSEN2-related conditions. This variant is present in population databases (rs763202098, gnomAD 0.01%). This sequence change replaces alanine, which is neutral and non-polar, with valine, which is neutral and non-polar, at codon 54 of the TSEN2 protein (p.Ala54Val).